The following is an entry in ClinVar:

ClinVar aggregate classification (germline): Likely benign. Review status: criteria provided, multiple submitters, no conflicts (2 of 4 stars). 3 submissions from 3 submitters: Likely benign (2). 1 of the submissions does not count toward it. Last evaluated 2025-09-06.

Conditions:
Rubinstein-Taybi syndrome (RSTS). Identifiers: Orphanet 783, MedGen C0035934, MONDO:0019188.
CREBBP-related disorder. Also called: CREBBP-related disorders; CREBBP-related condition.

Allele frequency attached by ClinVar (database versions not stated): gnomAD exomes 0.00005 and 0.00006; TOPMed 0.00007; ESP Exome Variant Server 0.00008; gnomAD 0.00008; 1000 Genomes Project 30x 0.00031; ExAC 0.00006.
gnomAD v4.1: 86 of 1,614,202 alleles (0.0053%); highest among the groups gnomAD compares: Middle Eastern, 0.017%; no homozygotes.

Submissions (3):

Labcorp Genetics (formerly Invitae), Labcorp
Classification: Likely benign for Rubinstein-Taybi syndrome. Last evaluated: 2025-09-06. Review status: criteria provided, single submitter. Criteria: Invitae Variant Classification Sherloc (09022015). Collection method: clinical testing. Allele origin: germline.

Breakthrough Genomics
Classification: Likely benign. Review status: criteria provided, single submitter. Criteria: ACMG Guidelines, 2015. Collection method: not provided. Allele origin: germline. Inheritance: Autosomal dominant inheritance. Affected: yes.

PreventionGenetics, part of Exact Sciences
Classification: Likely benign for CREBBP-related condition. Last evaluated: 2023-02-27. Review status: no assertion criteria provided. Collection method: clinical testing. Allele origin: germline. Not counted in ClinVar's aggregate classification.
Comment: This variant is classified as likely benign based on ACMG/AMP sequence variant interpretation guidelines (Richards et al. 2015 PMID: 25741868, with internal and published modifications).

NM_004380.3(CREBBP):c.4560+9C>T

Gene: CREBBP (CREB binding lysine acetyltransferase; minus strand). Cytogenetic location: 16p13.3.
Variant type: single nucleotide variant.
Coding change: c.4560+9C>T on transcript NM_004380.3 (MANE Select); 9 bases into the intron after coding-DNA position 4560, C replaced by T.
Molecular consequence: intron variant.
Genome position (GRCh38, 1-based): chr16:3,736,641, G>A on the plus strand (C>T on the coding strand, the complement: CREBBP is on the minus strand). VCF-style: chr16-3736641-G-A. GRCh37 (hg19) VCF-style: chr16-3786642-G-A.
Other names: c.4560+9C>T (NM_004380.2); c.4446+9C>T (NM_001079846.1).
Identifiers: ClinVar variation 1056103 (VCV001056103.12), dbSNP rs201631062, ClinGen allele CA7869507.